The following is an entry in ClinVar:

NM_001999.4(FBN2):c.8360C>G (p.Thr2787Ser)

Gene: FBN2 (fibrillin 2; minus strand). Cytogenetic location: 5q23.3.
Variant type: single nucleotide variant.
Coding change: c.8360C>G on transcript NM_001999.4 (MANE Select); coding-DNA position 8360, C replaced by G.
Protein change: p.Thr2787Ser; replaces threonine 2787 with serine.
Molecular consequence: missense variant.
Genome position (GRCh38, 1-based): chr5:128,261,740, G>C on the plus strand (C>G on the coding strand, the complement: FBN2 is on the minus strand). VCF-style: chr5-128261740-G-C. GRCh37 (hg19) VCF-style: chr5-127597432-G-C.
Other names: short protein forms T2787S.
Identifiers: ClinVar variation 1033882 (VCV001033882.1), dbSNP rs1764978341, ClinGen allele CA360747002.

ClinVar aggregate classification (germline): Uncertain significance (1 of 4 stars; one submission).

Conditions:
Congenital contractural arachnodactyly (CCA). Also called: BEALS SYNDROME; Beals-Hecht syndrome; Arthrogryposis, distal, type 9. Identifiers: Orphanet 115, MedGen C0220668, MONDO:0007363, OMIM 121050.

Submission:

Baylor Genetics
Classification: Uncertain significance for Congenital contractural arachnodactyly. Last evaluated: 2018-09-25. Review status: criteria provided, single submitter. Criteria: ACMG Guidelines, 2015. Collection method: clinical testing. Allele origin: maternal. Affected: yes.
Comment: This variant was determined to be of uncertain significance according to ACMG Guidelines, 2015 [PMID:25741868].